The following is an entry in ClinVar:

ClinVar aggregate classification (germline): Uncertain significance (1 of 4 stars; one submission).

Conditions:
Vissers-Bodmer syndrome. Identifiers: MedGen C5436647, MONDO:0033618, OMIM 619033.

Submission:

3billion
Classification: Uncertain significance for Vissers-Bodmer syndrome. Last evaluated: 2025-07-24. Review status: criteria provided, single submitter. Criteria: ACMG Guidelines, 2015. Collection method: clinical testing. Allele origin: germline. Affected: yes.
Comment: The variant is not observed in the gnomAD v4.1.0 dataset. Predicted Consequence/Location: Missense variant In silico tool predictions suggest damaging effect of the variant on gene or gene product [3Cnet: 0.97 (> 0.75, sensitivity 0.96 and precision 0.92)]. Therefore, this variant is classified as VUS according to the recommendation of ACMG/AMP guideline.

NM_016284.5(CNOT1):c.4492G>A (p.Asp1498Asn)

Gene: CNOT1 (CCR4-NOT transcription complex subunit 1; minus strand). Cytogenetic location: 16q21.
Variant type: single nucleotide variant.
Coding change: c.4492G>A on transcript NM_016284.5 (MANE Select); coding-DNA position 4492, G replaced by A.
Protein change: p.Asp1498Asn; replaces aspartic acid 1498 with asparagine.
Molecular consequence: missense variant. On other transcripts: non-coding transcript variant (1).
Genome position (GRCh38, 1-based): chr16:58,542,511, C>T on the plus strand (G>A on the coding strand, the complement: CNOT1 is on the minus strand). VCF-style: chr16-58542511-C-T. GRCh37 (hg19) VCF-style: chr16-58576415-C-T.
Other names: c.4477G>A, p.Asp1493Asn (NM_001265612.2); short protein forms D1493N, D1498N.
Identifiers: ClinVar variation 4854996 (VCV004854996.1).